The following is an entry in ClinVar:

NM_181303.2(NLGN3):c.1106G>A (p.Arg369His)

Gene: NLGN3 (neuroligin 3; plus strand). Cytogenetic location: Xq13.1.
Variant type: single nucleotide variant.
Coding change: c.1106G>A on transcript NM_181303.2 (MANE Select); coding-DNA position 1106, G replaced by A.
Protein change: p.Arg369His; replaces arginine 369 with histidine.
Molecular consequence: missense variant.
Genome position (GRCh38, 1-based): chrX:71,167,203, G>A. VCF-style: chrX-71167203-G-A. GRCh37 (hg19) VCF-style: chrX-70387053-G-A.
Other names: c.986G>A, p.Arg329His (NM_001166660.2); c.695G>A, p.Arg232His (NM_001321276.2); c.1046G>A, p.Arg349His (NM_018977.4); short protein forms R232H, R329H, R349H, R369H.
Identifiers: ClinVar variation 3390620 (VCV003390620.1).

ClinVar aggregate classification (germline): Uncertain significance (1 of 4 stars; one submission).

gnomAD v4.1: 5 of 1,209,881 alleles (0.00041%); highest among the groups gnomAD compares: Non-Finnish European, 0.00045%; no homozygotes.

Submission:

GeneDx
Classification: Uncertain significance. Last evaluated: 2024-06-12. Review status: criteria provided, single submitter. Criteria: GeneDx Variant Classification Process June 2021. Collection method: clinical testing. Allele origin: germline. Affected: yes.
Comment: Not observed at significant frequency in large population cohorts (gnomAD); In silico analysis supports that this missense variant has a deleterious effect on protein structure/function; Has not been previously published as pathogenic or benign to our knowledge